The following is an entry in ClinVar:

NM_005732.4(RAD50):c.365+15_365+16dup

Gene: RAD50 (RAD50 double strand break repair protein; plus strand). Cytogenetic location: 5q31.1.
Variant type: Duplication.
Coding change: c.365+15_365+16dup on transcript NM_005732.4 (MANE Select); bases 15 to 16 of the intron after coding-DNA position 365, 2 bases duplicated (GA; older notation c.365+15_365+16dupGA).
Molecular consequence: intron variant.
Genome position (GRCh38, 1-based): chr5:132,575,943-132,575,944, GA duplicated. VCF-style (leftmost placement, unchanged base first): chr5-132575942-T-TGA. GRCh37 (hg19) VCF-style: chr5-131911634-T-TGA.
Identifiers: ClinVar variation 2801733 (VCV002801733.3), dbSNP rs1486224350, ClinGen allele CA562769673.
Genomic context (GRCh38, chr5:132,575,942, plus strand): 5'-AAAAAGACAGAATTTAAAACTCTGGAAGGAGTCATTACTAGAACAAAGTAGGTGTTTATA[T>TGA]GATATTTGAATTTCTGTTCATTTTCAGTCTTTTAGGTCTGTAAGTTGATGGTTGTTTTCT-3'

ClinVar aggregate classification (germline): Uncertain significance (1 of 4 stars; one submission).

Conditions:
Hereditary cancer-predisposing syndrome. Also called: Hereditary neoplastic syndrome; Neoplastic Syndromes, Hereditary; Hereditary Cancer Syndrome; Tumor predisposition. Identifiers: Orphanet 140162, MedGen C0027672, MeSH D009386, MONDO:0015356.

Allele frequency attached by ClinVar (database versions not stated): gnomAD exomes below 0.00001; TOPMed below 0.00001; gnomAD 0.00001.

Submission:

Labcorp Genetics (formerly Invitae), Labcorp
Classification: Uncertain significance for Hereditary cancer-predisposing syndrome. Last evaluated: 2023-07-17. Review status: criteria provided, single submitter. Criteria: Invitae Variant Classification Sherloc (09022015). Collection method: clinical testing. Allele origin: germline.
Comment: In summary, the available evidence is currently insufficient to determine the role of this variant in disease. Therefore, it has been classified as a Variant of Uncertain Significance. Algorithms developed to predict the effect of sequence changes on RNA splicing suggest that this variant may create or strengthen a splice site. This variant has not been reported in the literature in individuals affected with RAD50-related conditions. This variant is present in population databases (no rsID available, gnomAD 0.007%). This sequence change falls in intron 3 of the RAD50 gene. It does not directly change the encoded amino acid sequence of the RAD50 protein.